The following is an entry in ClinVar:

ClinVar aggregate classification (germline): Uncertain significance. Review status: criteria provided, multiple submitters, no conflicts (2 of 4 stars). 4 submissions from 4 submitters: Uncertain significance (4). Last evaluated 2023-04-11.

Conditions:
Pyridoxine-dependent epilepsy (EPEO4). Also called: Pyridoxine-Dependent Seizures; Pyridoxine-Dependent Epilepsy - ALDH7A1; EPILEPSY, EARLY-ONSET, 4, VITAMIN B6-DEPENDENT; PYRIDOXINE DEPENDENCY WITH SEIZURES. Identifiers: Orphanet 3006, MedGen C1849508, MONDO:0009945, OMIM 266100. Disease mechanism: loss of function.

Allele frequency attached by ClinVar (database versions not stated): gnomAD exomes below 0.00001 and 0.00001.
gnomAD v4.1: 2 of 1,612,668 alleles (0.00012%); highest among the groups gnomAD compares: Admixed American, 0.0033%; no homozygotes.

Submissions (4):

Genome-Nilou Lab
Classification: Uncertain significance for Pyridoxine-dependent epilepsy. Last evaluated: 2023-04-11. Review status: criteria provided, single submitter. Criteria: ACMG Guidelines, 2015. Collection method: clinical testing. Allele origin: germline. Affected: no.

Labcorp Genetics (formerly Invitae), Labcorp
Classification: Uncertain significance for Pyridoxine-dependent epilepsy. Last evaluated: 2022-01-28. Review status: criteria provided, single submitter. Criteria: Invitae Variant Classification Sherloc (09022015). Collection method: clinical testing. Allele origin: germline.
Comment: ClinVar contains an entry for this variant (Variation ID: 195132). In summary, the available evidence is currently insufficient to determine the role of this variant in disease. Therefore, it has been classified as a Variant of Uncertain Significance. Advanced modeling of protein sequence and biophysical properties (such as structural, functional, and spatial information, amino acid conservation, physicochemical variation, residue mobility, and thermodynamic stability) performed at Invitae indicates that this missense variant is not expected to disrupt ALDH7A1 protein function. This variant has not been reported in the literature in individuals affected with ALDH7A1-related conditions. This variant is present in population databases (rs794727259, gnomAD 0.006%). This sequence change replaces arginine, which is basic and polar, with glycine, which is neutral and non-polar, at codon 79 of the ALDH7A1 protein (p.Arg79Gly).

Eurofins Ntd Llc (ga)
Classification: Uncertain significance. Last evaluated: 2014-07-04. Review status: criteria provided, single submitter. Criteria: EGL Classification Definitions 2015. Collection method: clinical testing. Allele origin: germline. Observed: 1 variant allele, 1 heterozygote.

GeneDx
Classification: Uncertain significance. Last evaluated: 2013-02-12. Review status: criteria provided, single submitter. Criteria: GeneDx Variant Classification (06012015). Collection method: clinical testing. Allele origin: germline. Affected: yes.
Comment: p.Arg79Gly (AGA>GGA): c.235 A>G in exon 2 of the ALDH7A1 gene (NM_001182.3). The Arg79Gly missense change has not been published as a mutation, nor has it been reported as a benign polymorphism to our knowledge. The NHLBI ESP Exome Variant Project has not identified Arg79Gly in approximately 6,500 individuals of European or African American ethnicity, indicating that it is not a common benign variant in these populations. The amino acid substitution is non-conservative, as a positively charged, polar Arginine residue is replaced by an uncharged, non-polar Glycine residue. Arg79Gly alters a conserved position in the protein; however, other missense mutations have not been previously reported at nearby codons. In addition, in-silico algorithms are not consistent in their predictions of whether Arg79Gly is damaging to the structure/function of the protein. Therefore, based on the currently available information, it is unclear whether Arg79Gly is a disease-causing mutation or a rare benign variant. The variant is found in INFANT-EPI panel(s).

NM_001182.5(ALDH7A1):c.235A>G (p.Arg79Gly)

Gene: ALDH7A1 (aldehyde dehydrogenase 7 family member A1; minus strand). Cytogenetic location: 5q23.2.
Variant type: single nucleotide variant.
Coding change: c.235A>G on transcript NM_001182.5 (MANE Select); coding-DNA position 235, A replaced by G.
Protein change: p.Arg79Gly; replaces arginine 79 with glycine.
Molecular consequence: missense variant.
Genome position (GRCh38, 1-based): chr5:126,593,362, T>C on the plus strand (A>G on the coding strand, the complement: ALDH7A1 is on the minus strand). VCF-style: chr5-126593362-T-C. GRCh37 (hg19) VCF-style: chr5-125929054-T-C.
Other names: p.R79G:AGA>GGA; c.151A>G, p.Arg51Gly (NM_001201377.2); c.235A>G, p.Arg79Gly (NM_001202404.2); short protein forms R79G, R51G.
Identifiers: ClinVar variation 195132 (VCV000195132.9), dbSNP rs794727259, ClinGen allele CA241416.